The following is an entry in ClinVar:

NC_000004.12:g.(?_16016166)_(16075906_?)dup

Gene: PROM1 (prominin 1; minus strand). Cytogenetic location: 4p15.32.
Variant type: Duplication.
Identifiers: ClinVar variation 833316 (VCV000833316.3).

ClinVar aggregate classification (germline): Uncertain significance (1 of 4 stars; one submission).

Submission:

Labcorp Genetics (formerly Invitae), Labcorp
Classification: Uncertain significance. Last evaluated: 2022-09-27. Review status: criteria provided, single submitter. Criteria: Invitae Variant Classification Sherloc (09022015). Collection method: clinical testing. Allele origin: germline.
Comment: In summary, the available evidence is currently insufficient to determine the role of this variant in disease. Therefore, it has been classified as a Variant of Uncertain Significance. Experimental studies and prediction algorithms are not available or were not evaluated, and the functional significance of this variant is currently unknown. A similar copy number variant has been observed in individual(s) with autosomal dominant Stargardt disease (Invitae). This variant results in a copy number gain of the genomic region encompassing exon(s) 1-9 of the PROM1 gene. This region includes the initiator codon of the gene. This copy number gain extends beyond the assayed region for this gene and therefore may encompass additional genes. As the precise location of this event is unknown, it may be in tandem or it may be located elsewhere in the genome.